The following is an entry in ClinVar:

ClinVar aggregate classification (germline): Likely benign (1 of 4 stars; one submission).

Allele frequency attached by ClinVar (database versions not stated): ESP Exome Variant Server 0.00008; gnomAD 0.00015; TOPMed 0.00015; ExAC 0.00027; gnomAD exomes 0.00031.
gnomAD v4.1: 468 of 1,613,792 alleles (0.029%); highest among the groups gnomAD compares: Non-Finnish European, 0.034%; 1 homozygote.

Submission:

CeGaT Center for Human Genetics Tuebingen
Classification: Likely benign. Last evaluated: 2022-11-01. Review status: criteria provided, single submitter. Criteria: CeGaT Center For Human Genetics Tuebingen Variant Classification Criteria Version 2. Collection method: clinical testing. Allele origin: germline. Affected: yes. Observed: 1 variant allele.
Comment: DNAH10: BP4, BP7

NM_001372106.1(DNAH10):c.9261G>A (p.Ala3087=)

Gene: DNAH10 (dynein axonemal heavy chain 10; plus strand). Cytogenetic location: 12q24.31.
Variant type: single nucleotide variant.
Coding change: c.9261G>A on transcript NM_001372106.1 (MANE Select); coding-DNA position 9261, G replaced by A.
Protein change: p.Ala3087=; no amino-acid change (alanine 3087 retained).
Molecular consequence: synonymous variant.
Genome position (GRCh38, 1-based): chr12:123,894,704, G>A. VCF-style: chr12-123894704-G-A. GRCh37 (hg19) VCF-style: chr12-124379251-G-A.
Other names: c.8907G>A, p.Ala2969= (NM_001083900.1, NM_207437.3).
Identifiers: ClinVar variation 2643533 (VCV002643533.24), dbSNP rs368062654, ClinGen allele CA6864998.
Genomic context (GRCh38, chr12:123,894,704, plus strand): 5'-TATGGTAAATAACACTGGTATTGACTGGTTCATGCCCTGGCCTCCCCAAGCCCTCCATGC[G>A]GTCGCAAAGTCCTTTCTAGGTAAGTCACAGCTGTTATGGGAACTGCATTATTGATAAAAC-3'
Protein context (NP_001359035.1, residues 3077-3097): FMPWPPQALH[Ala3087=]VAKSFLGYNP